The following is an entry in ClinVar:

NM_001267550.2(TTN):c.6899A>T (p.Tyr2300Phe)

Genes: TTN (titin; minus strand), LOC126806433 (BRD4-independent group 4 enhancer GRCh37_chr2:179638309-179639508; plus strand). Cytogenetic location: 2q31.2.
Variant type: single nucleotide variant.
Coding change: c.6899A>T on transcript NM_001267550.2 (MANE Select); coding-DNA position 6899, A replaced by T.
Protein change: p.Tyr2300Phe; replaces tyrosine 2300 with phenylalanine.
Molecular consequence: missense variant.
Genome position (GRCh38, 1-based): chr2:178,774,365, T>A on the plus strand (A>T on the coding strand, the complement: TTN is on the minus strand). VCF-style: chr2-178774365-T-A. GRCh37 (hg19) VCF-style: chr2-179639092-T-A.
Other names: p.Tyr2300Phe; c.6899A>T, p.Tyr2300Phe (NM_001256850.1, NM_133378.4, NM_133379.5); c.6761A>T, p.Tyr2254Phe (NM_003319.4, NM_133432.3, NM_133437.4); short protein forms Y2254F, Y2300F.
Identifiers: ClinVar variation 2682794 (VCV002682794.1), dbSNP rs772093035, ClinGen allele CA2004941.

ClinVar aggregate classification (germline): Uncertain significance (1 of 4 stars; one submission).

gnomAD v4.1: 7 of 1,614,160 alleles (0.00043%); highest among the groups gnomAD compares: South Asian, 0.0077%; no homozygotes.

Submission:

Mayo Clinic Laboratories, Mayo Clinic
Classification: Uncertain significance. Last evaluated: 2022-12-07. Review status: criteria provided, single submitter. Criteria: ACMG Guidelines, 2015. Collection method: clinical testing. Allele origin: germline. Observed: 1 variant allele.
Comment: BP4, PM2